The following is an entry in ClinVar:

NM_000113.3(TOR1A):c.716C>T (p.Ala239Val)

Gene: TOR1A (torsin family 1 member A; minus strand). Cytogenetic location: 9q34.11.
Variant type: single nucleotide variant.
Coding change: c.716C>T on transcript NM_000113.3 (MANE Select); coding-DNA position 716, C replaced by T.
Protein change: p.Ala239Val; replaces alanine 239 with valine.
Molecular consequence: missense variant.
Genome position (GRCh38, 1-based): chr9:129,818,552, G>A on the plus strand (C>T on the coding strand, the complement: TOR1A is on the minus strand). VCF-style: chr9-129818552-G-A. GRCh37 (hg19) VCF-style: chr9-132580831-G-A.
Other names: c.716C>T (NM_000113.2); short protein forms A239V.
Identifiers: ClinVar variation 2193600 (VCV002193600.6), dbSNP rs138737975, ClinGen allele CA5278578.

ClinVar aggregate classification (germline): Uncertain significance. Review status: criteria provided, multiple submitters, no conflicts (2 of 4 stars). 3 submissions from 3 submitters: Uncertain significance (3). Last evaluated 2024-06-10.

Conditions:
Dystonic disorder. Also called: Dystonia. Identifiers: MedGen C0013421, MONDO:0003441, HP:0001332.
Inborn genetic diseases. Identifiers: MedGen C0950123, MeSH D030342.

Allele frequency attached by ClinVar (database versions not stated): gnomAD exomes 0.00004; ExAC 0.00007; ESP Exome Variant Server 0.00015; TOPMed 0.00034; gnomAD 0.00036; 1000 Genomes Project 0.00040; 1000 Genomes Project 30x 0.00078.
gnomAD v4.1: 117 of 1,614,162 alleles (0.0072%); highest among the groups gnomAD compares: African/African-American, 0.12%; no homozygotes.

Submissions (3):

GeneDx
Classification: Uncertain significance. Last evaluated: 2024-06-10. Review status: criteria provided, single submitter. Criteria: GeneDx Variant Classification Process June 2021. Collection method: clinical testing. Allele origin: germline. Affected: yes.
Comment: In silico analysis indicates that this missense variant does not alter protein structure/function; Has not been previously published as pathogenic or benign to our knowledge

Labcorp Genetics (formerly Invitae), Labcorp
Classification: Uncertain significance for Dystonic disorder. Last evaluated: 2024-03-17. Review status: criteria provided, single submitter. Criteria: Invitae Variant Classification Sherloc (09022015). Collection method: clinical testing. Allele origin: germline.
Comment: This sequence change replaces alanine, which is neutral and non-polar, with valine, which is neutral and non-polar, at codon 239 of the TOR1A protein (p.Ala239Val). This variant is present in population databases (rs138737975, gnomAD 0.08%). This variant has not been reported in the literature in individuals affected with TOR1A-related conditions. ClinVar contains an entry for this variant (Variation ID: 2193600). Advanced modeling of protein sequence and biophysical properties (such as structural, functional, and spatial information, amino acid conservation, physicochemical variation, residue mobility, and thermodynamic stability) performed at Invitae indicates that this missense variant is not expected to disrupt TOR1A protein function with a negative predictive value of 80%. In summary, the available evidence is currently insufficient to determine the role of this variant in disease. Therefore, it has been classified as a Variant of Uncertain Significance.

Ambry Genetics
Classification: Uncertain significance for Inborn genetic diseases. Last evaluated: 2020-12-29. Review status: criteria provided, single submitter. Criteria: Ambry Variant Classification Scheme 2023. Collection method: clinical testing. Allele origin: germline.
Comment: The c.716C>T (p.A239V) alteration is located in exon 4 (coding exon 4) of the TOR1A gene. This alteration results from a C to T substitution at nucleotide position 716, causing the alanine (A) at amino acid position 239 to be replaced by a valine (V). The p.A239V alteration is predicted to be tolerated by in silico analysis. Based on insufficient or conflicting evidence, the clinical significance of this alteration remains unclear.